The following is an entry in ClinVar:

ClinVar aggregate classification (germline): Pathogenic (1 of 4 stars; one submission).

Conditions:
Cohen syndrome (COH1). Also called: Cutis verticis gyrata, retinitis pigmentosa, and sensorineural deafness; PEPPER SYNDROME. Identifiers: Orphanet 193, MedGen C0265223, MONDO:0008999, OMIM 216550.

Submission:

Labcorp Genetics (formerly Invitae), Labcorp
Classification: Pathogenic for Cohen syndrome. Last evaluated: 2019-08-28. Review status: criteria provided, single submitter. Criteria: Invitae Variant Classification Sherloc (09022015). Collection method: clinical testing. Allele origin: germline.
Comment: For these reasons, this variant has been classified as Pathogenic. Donor and acceptor splice site variants typically lead to a loss of protein function (PMID: 16199547), and loss-of-function variants in VPS13B are known to be pathogenic (PMID: 15141358, 16648375, 20461111). Algorithms developed to predict the effect of sequence changes on RNA splicing suggest that this variant may disrupt the consensus splice site, but this prediction has not been confirmed by published transcriptional studies. Disruption of this splice site has been observed in individuals affected with Cohen syndrome (PMID: 15141358, 16648375, 25472526). This variant is not present in population databases (ExAC no frequency). This sequence change affects a donor splice site in intron 37 of the VPS13B gene. It is expected to disrupt RNA splicing and likely results in an absent or disrupted protein product.

Literature cited by the submitters: PubMed 16199547; PubMed 15141358; PubMed 16648375; PubMed 20461111; PubMed 25472526.

NM_152564.5(VPS13B):c.6657+2T>C

Gene: VPS13B (vacuolar protein sorting 13 homolog B; plus strand). Cytogenetic location: 8q22.2.
Variant type: single nucleotide variant.
Coding change: c.6657+2T>C on transcript NM_152564.5 (MANE Select); the canonical splice donor site of the intron after coding-DNA position 6657, T replaced by C.
Molecular consequence: splice donor variant.
Genome position (GRCh38, 1-based): chr8:99,717,375, T>C. VCF-style: chr8-99717375-T-C. GRCh37 (hg19) VCF-style: chr8-100729603-T-C.
Other names: c.6732+2T>C (NM_017890.5).
Identifiers: ClinVar variation 957837 (VCV000957837.10), dbSNP rs1832966881, ClinGen allele CA371867507.